The following is an entry in ClinVar:

NM_003000.3(SDHB):c.23C>A (p.Ser8Tyr)

Gene: SDHB (succinate dehydrogenase complex iron sulfur subunit B; minus strand). Cytogenetic location: 1p36.13.
Variant type: single nucleotide variant.
Coding change: c.23C>A on transcript NM_003000.3 (MANE Select); coding-DNA position 23, C replaced by A.
Protein change: p.Ser8Tyr; replaces serine 8 with tyrosine.
Molecular consequence: missense variant.
Genome position (GRCh38, 1-based): chr1:17,053,997, G>T on the plus strand (C>A on the coding strand, the complement: SDHB is on the minus strand). VCF-style: chr1-17053997-G-T. GRCh37 (hg19) VCF-style: chr1-17380492-G-T.
Other names: short protein forms S8Y.
Identifiers: ClinVar variation 836497 (VCV000836497.8), dbSNP rs199848267, ClinGen allele CA338230843.

ClinVar aggregate classification (germline): Uncertain significance. Review status: criteria provided, multiple submitters, no conflicts (2 of 4 stars). 2 submissions from 2 submitters: Uncertain significance (2). Last evaluated 2025-12-18.

Conditions:
Hereditary cancer-predisposing syndrome. Also called: Neoplastic Syndromes, Hereditary; Tumor predisposition; Hereditary Cancer Syndrome; Hereditary neoplastic syndrome. Identifiers: Orphanet 140162, MedGen C0027672, MeSH D009386, MONDO:0015356.
Pheochromocytoma/paraganglioma syndrome 4. Also called: CAROTID BODY TUMORS AND MULTIPLE EXTRAADRENAL PHEOCHROMOCYTOMAS; SDHB-Related Hereditary Paraganglioma-Pheochromocytoma Syndrome (Paragangliomas 4); SDHB-Related Hereditary Paraganglioma-Pheochromocytoma Syndrome; PARAGANGLIOMA, FAMILIAL MALIGNANT; PARAGANGLIOMAS, HEREDITARY EXTRAADRENAL; PHEOCHROMOCYTOMA, FAMILIAL EXTRAADRENAL. Identifiers: Orphanet 29072, MedGen C1861848, MONDO:0007273, OMIM 115310.
Gastrointestinal stromal tumor. Also called: Gastrointestinal stromal tumor, somatic; Gastrointestinal stroma tumor. Identifiers: Orphanet 44890, MedGen C0238198, MeSH D046152, MONDO:0011719, OMIM 606764, HP:0100723.
Pheochromocytoma. Also called: MAX-Related Hereditary Paraganglioma-Pheochromocytoma Syndrome. Identifiers: Orphanet 29072, MedGen C0031511, MONDO:0008233, OMIM 171300, HP:0002666.

gnomAD v4.1: 1 of 1,612,756 alleles (0.000062%); highest among the groups gnomAD compares: Admixed American, 0.0017%; no homozygotes.

Submissions (2):

Ambry Genetics
Classification: Uncertain significance for Hereditary cancer-predisposing syndrome. Last evaluated: 2025-12-18. Review status: criteria provided, single submitter. Criteria: Ambry Variant Classification Scheme 2023. Collection method: clinical testing. Allele origin: germline.
Comment: The p.S8Y variant (also known as c.23C>A), located in coding exon 1 of the SDHB gene, results from a C to A substitution at nucleotide position 23. The serine at codon 8 is replaced by tyrosine, an amino acid with dissimilar properties. This amino acid position is highly conserved in available vertebrate species. In addition, this alteration is predicted to be deleterious by in silico analysis. Based on the available evidence, the clinical significance of this variant remains unclear.

Labcorp Genetics (formerly Invitae), Labcorp
Classification: Uncertain significance for Gastrointestinal stromal tumor; Pheochromocytoma/paraganglioma syndrome 4; Pheochromocytoma. Last evaluated: 2025-11-14. Review status: criteria provided, single submitter. Criteria: Invitae Variant Classification Sherloc (09022015). Collection method: clinical testing. Allele origin: germline.
Comment: This sequence change replaces serine, which is neutral and polar, with tyrosine, which is neutral and polar, at codon 8 of the SDHB protein (p.Ser8Tyr). This variant is not present in population databases (gnomAD no frequency). This variant has not been reported in the literature in individuals affected with SDHB-related conditions. ClinVar contains an entry for this variant (Variation ID: 836497). Invitae Evidence Modeling of protein sequence and biophysical properties (such as structural, functional, and spatial information, amino acid conservation, physicochemical variation, residue mobility, and thermodynamic stability) has been performed for this missense variant. However, the output from this modeling did not meet the statistical confidence thresholds required to predict the impact of this variant on SDHB protein function. In summary, the available evidence is currently insufficient to determine the role of this variant in disease. Therefore, it has been classified as a Variant of Uncertain Significance.